The following is an entry in ClinVar:

ClinVar aggregate classification (germline): Likely pathogenic (1 of 4 stars; one submission).

Conditions:
Cystic fibrosis (CF). Also called: MUCOVISCIDOSIS. Identifiers: Orphanet 586, MedGen C0010674, MONDO:0009061, OMIM 219700. Disease mechanism: loss of function.

Submission:

Labcorp Genetics (formerly Invitae), Labcorp
Classification: Likely pathogenic for Cystic fibrosis. Last evaluated: 2022-09-23. Review status: criteria provided, single submitter. Criteria: Invitae Variant Classification Sherloc (09022015). Collection method: clinical testing. Allele origin: germline.
Comment: In summary, the currently available evidence indicates that the variant is pathogenic, but additional data are needed to prove that conclusively. Therefore, this variant has been classified as Likely Pathogenic. Algorithms developed to predict the effect of sequence changes on RNA splicing suggest that this variant may disrupt the consensus splice site. ClinVar contains an entry for this variant (Variation ID: 862841). This variant has not been reported in the literature in individuals affected with CFTR-related conditions. This variant is not present in population databases (gnomAD no frequency). This sequence change affects a donor splice site in intron 21 of the CFTR gene. It is expected to disrupt RNA splicing. Variants that disrupt the donor or acceptor splice site typically lead to a loss of protein function (PMID: 16199547), and loss-of-function variants in CFTR are known to be pathogenic (PMID: 1695717, 7691345, 9725922).

Literature cited by the submitters: PubMed 16199547; PubMed 1695717; PubMed 7691345; PubMed 9725922.

NM_000492.4(CFTR):c.3468+1G>T

Genes: CFTR (CF transmembrane conductance regulator; plus strand), CFTR-AS2 (CFTR antisense RNA 2; minus strand). Cytogenetic location: 7q31.2.
Variant type: single nucleotide variant.
Coding change: c.3468+1G>T on transcript NM_000492.4 (MANE Select); the canonical splice donor site of the intron after coding-DNA position 3468, G replaced by T.
Molecular consequence: splice donor variant.
Genome position (GRCh38, 1-based): chr7:117,614,714, G>T. VCF-style: chr7-117614714-G-T. GRCh37 (hg19) VCF-style: chr7-117254768-G-T.
Identifiers: ClinVar variation 862841 (VCV000862841.8), dbSNP rs1554392798, ClinGen allele CA368993769.
Genomic context (GRCh38, chr7:117,614,714, plus strand): 5'-ATGAATATCATGAGTACATTGCAGTGGGCTGTAAACTCCAGCATAGATGTGGATAGCTTG[G>T]TAAGTCTTATCATCTTTTTAACTTTTATGAAAAAAATTCAGACAAGTAACAAAGTATGAG-3'